The following is an entry in ClinVar:

ClinVar aggregate classification (germline): Benign/Likely benign. Review status: criteria provided, multiple submitters, no conflicts (2 of 4 stars). 10 submissions from 10 submitters: Benign (5); Likely benign (2). 3 of the submissions do not count toward it. Last evaluated 2026-01-08.

Conditions:
Charcot-Marie-Tooth disease X-linked recessive 4 (CMTX4). Also called: Cowchock syndrome; CHARCOT-MARIE-TOOTH DISEASE, X-LINKED RECESSIVE, 4, WITH OR WITHOUT CEREBELLAR ATAXIA; CHARCOT-MARIE-TOOTH DISEASE WITH DEAFNESS AND MENTAL RETARDATION. Identifiers: Orphanet 101078, MedGen C0795910, MONDO:0010689, OMIM 310490.
Deafness, X-linked 5 (DFNX5). Also called: AUDITORY NEUROPATHY, X-LINKED, 1, WITH PERIPHERAL SENSORY NEUROPATHY; DEAFNESS, X-LINKED 5, WITH PERIPHERAL NEUROPATHY. Identifiers: Orphanet 139583, MedGen C1845095, OMIM 300614.
Spondyloepimetaphyseal dysplasia, Bieganski type. Also called: Leukoencephalopathy with metaphyseal chondrodysplasia; Spondyloepimetaphyseal dysplasia, X-linked, with hypomyelinating leukodystrophy; SEMD X-linked with mental deterioration. Identifiers: Orphanet 168448, Orphanet 83629, MedGen C1846148, MONDO:0010275, OMIM 300232.
Severe X-linked mitochondrial encephalomyopathy. Also called: ENCEPHALOMYOPATHY, MITOCHONDRIAL, X-LINKED. Identifiers: Orphanet 238329, MedGen C3151753, MONDO:0010437, OMIM 300816.
Combined oxidative phosphorylation deficiency. Identifiers: MedGen C4540031, MONDO:0000732.
Charcot-Marie-Tooth Neuropathy X. Identifiers: MedGen CN118851.

Allele frequency attached by ClinVar (database versions not stated): gnomAD exomes 0.00055 and 0.00136; ExAC 0.00325; gnomAD 0.00465 and 0.00489; 1000 Genomes Project 0.00477; 1000 Genomes Project 30x 0.00499; ESP Exome Variant Server 0.00541; TOPMed 0.00557.
gnomAD v4.1: 1,159 of 1,189,312 alleles (0.097%); highest among the groups gnomAD compares: African/African-American, 1.8%; 6 homozygotes.

Submissions (10):

Labcorp Genetics (formerly Invitae), Labcorp
Classification: Benign for Charcot-Marie-Tooth Neuropathy X; Combined oxidative phosphorylation deficiency. Last evaluated: 2026-01-08. Review status: criteria provided, single submitter. Criteria: Invitae Variant Classification Sherloc (09022015). Collection method: clinical testing. Allele origin: germline.

Mayo Clinic Laboratories, Mayo Clinic
Classification: Benign. Last evaluated: 2024-12-09. Review status: criteria provided, single submitter. Criteria: ACMG Guidelines, 2015. Collection method: clinical testing. Allele origin: germline. Observed: 4 variant alleles.
Comment: BA1, BP4_moderate

Blueprint Genetics
Classification: Likely benign. Last evaluated: 2024-11-26. Review status: criteria provided, single submitter. Criteria: ACMG Guidelines, 2015. Collection method: clinical testing. Allele origin: germline.

Fulgent Genetics
Classification: Likely benign for Spondyloepimetaphyseal dysplasia, Bieganski type; Deafness, X-linked 5; Severe X-linked mitochondrial encephalomyopathy; Charcot-Marie-Tooth disease X-linked recessive 4. Last evaluated: 2021-12-15. Review status: criteria provided, single submitter. Criteria: ACMG Guidelines, 2015. Collection method: clinical testing. Allele origin: unknown.

Illumina Laboratory Services, Illumina
Classification: Benign for Severe X-linked mitochondrial encephalomyopathy. Last evaluated: 2018-01-13. Review status: criteria provided, single submitter. Criteria: ICSL Variant Classification Criteria 13 December 2019. Collection method: clinical testing. Allele origin: germline.
Comment: This variant was observed in the ICSL laboratory as part of a predisposition screen in an ostensibly healthy population. It had not been previously curated by ICSL or reported in the Human Gene Mutation Database (HGMD: prior to June 1st, 2018), and was therefore a candidate for classification through an automated scoring system. Utilizing variant allele frequency, disease prevalence and penetrance estimates, and inheritance mode, an automated score was calculated to assess if this variant is too frequent to cause the disease. Based on the score and internal cut-off values, a variant classified as benign is not then subjected to further curation. The score for this variant resulted in a classification of benign for this disease.

GeneDx
Classification: Benign. Last evaluated: 2013-05-23. Review status: criteria provided, single submitter. Criteria: GeneDx Variant Classification (06012015). Collection method: clinical testing. Allele origin: germline. Affected: yes.
Comment: This variant is considered likely benign or benign based on one or more of the following criteria: it is a conservative change, it occurs at a poorly conserved position in the protein, it is predicted to be benign by multiple in silico algorithms, and/or has population frequency not consistent with disease.

Breakthrough Genomics
Classification: Benign. Review status: criteria provided, single submitter. Criteria: ACMG Guidelines, 2015. Collection method: not provided. Allele origin: germline. Inheritance: X-linked inheritance. Affected: yes.

Clinical Genetics DNA and cytogenetics Diagnostics Lab, Erasmus MC, Erasmus Medical Center
Classification: Benign. Review status: no assertion criteria provided. Collection method: clinical testing. Allele origin: germline. Affected: yes. Study: VKGL Data-share Consensus. Not counted in ClinVar's aggregate classification.

Clinical Genetics, Academic Medical Center
Classification: Benign. Review status: no assertion criteria provided. Collection method: clinical testing. Allele origin: germline. Affected: yes. Study: VKGL Data-share Consensus. Not counted in ClinVar's aggregate classification.

Laboratory of Diagnostic Genome Analysis, Leiden University Medical Center (LUMC)
Classification: Likely benign. Review status: no assertion criteria provided. Collection method: clinical testing. Allele origin: germline. Affected: yes. Study: VKGL Data-share Consensus. Not counted in ClinVar's aggregate classification.

NM_004208.4(AIFM1):c.103C>T (p.Pro35Ser)

Genes: RAB33A (RAB33A, member RAS oncogene family; plus strand), AIFM1 (apoptosis inducing factor mitochondria associated 1; minus strand), LOC130068679 (ATAC-STARR-seq lymphoblastoid active region 29939; plus strand). Cytogenetic location: Xq26.1.
Variant type: single nucleotide variant.
Coding change: c.103C>T on transcript NM_004208.4 (MANE Select); coding-DNA position 103, C replaced by T.
Protein change: p.Pro35Ser; replaces proline 35 with serine.
Molecular consequence: missense variant. On other transcripts: non-coding transcript variant (1).
Genome position (GRCh38, 1-based): chrX:130,165,554, G>A on the plus strand (C>T on the coding strand, the complement: AIFM1 is on the minus strand). VCF-style: chrX-130165554-G-A. GRCh37 (hg19) VCF-style: chrX-129299528-G-A.
Other names: p.P35S:CCA>TCA; p.Pro35Ser; c.103C>T, p.Pro35Ser (NM_001130847.4, NM_145812.3); short protein forms P35S.
Identifiers: ClinVar variation 136326 (VCV000136326.23), dbSNP rs61730896, ClinGen allele CA289339.
Genomic context (GRCh38, chrX:130,165,554, plus strand): 5'-GGGAGCCTAAGGCGCCAGGCCCTCGGACTTGGAGGTTGCCTGGAATGGGTCAGTCACCTG[G>A]GAGCCGGTTCCTCTGCCTCGGGCTTCGGACGCACACGGTCCGCACCAAGGGCACCAGCTT-3'
Protein context (NP_004199.1, residues 25-45): VRSPRQRNRL[Pro35Ser]GNLFQRWHVP